The following is an entry in ClinVar:

NM_024884.3(L2HGDH):c.553A>T (p.Ile185Phe)

Gene: L2HGDH (L-2-hydroxyglutarate dehydrogenase; minus strand). Cytogenetic location: 14q21.3.
Variant type: single nucleotide variant.
Coding change: c.553A>T on transcript NM_024884.3 (MANE Select); coding-DNA position 553, A replaced by T.
Protein change: p.Ile185Phe; replaces isoleucine 185 with phenylalanine.
Molecular consequence: missense variant.
Genome position (GRCh38, 1-based): chr14:50,284,021, T>A on the plus strand (A>T on the coding strand, the complement: L2HGDH is on the minus strand). VCF-style: chr14-50284021-T-A. GRCh37 (hg19) VCF-style: chr14-50750739-T-A.
Other names: short protein forms I185F.
Identifiers: ClinVar variation 452358 (VCV000452358.2), dbSNP rs1555330643, ClinGen allele CA389654197.

ClinVar aggregate classification (germline): Likely pathogenic (1 of 4 stars; one submission).

Submission:

GeneDx
Classification: Likely pathogenic. Last evaluated: 2017-10-05. Review status: criteria provided, single submitter. Criteria: GeneDx Variant Classification (06012015). Collection method: clinical testing. Allele origin: germline. Affected: yes.
Comment: The I185F variant in the L2HGDH gene has not been reported previously as a pathogenic variant, nor as a benign variant, to our knowledge. The I185F variant is not observed in large population cohorts (Lek et al., 2016). The I185F variant is a conservative amino acid substitution, which is not likely to impact secondary protein structure as these residues share similar properties. This substitution occurs at a position where amino acids with similar properties to Isoleucine are tolerated across species. In silico analysis predicts this variant is probably damaging to the protein structure/function. We interpret I185F as a likely pathogenic variant.